The following is an entry in ClinVar:

ClinVar aggregate classification (germline): Pathogenic (1 of 4 stars; one submission).

Conditions:
Telangiectasia, hereditary hemorrhagic, type 2 (HHT2). Also called: Telangiectasia, hereditary hemorrhagic, type II; ACVRL1-Related Hereditary Hemorrhagic Telangiectasia. Identifiers: Orphanet 774, MedGen C1838163, MONDO:0010880, OMIM 600376. Disease mechanism: loss of function.

Submission:

Labcorp Genetics (formerly Invitae), Labcorp
Classification: Pathogenic for Telangiectasia, hereditary hemorrhagic, type 2. Last evaluated: 2024-09-29. Review status: criteria provided, single submitter. Criteria: Invitae Variant Classification Sherloc (09022015). Collection method: clinical testing. Allele origin: germline.
Comment: This sequence change affects a donor splice site in intron 7 of the ACVRL1 gene. It is expected to disrupt RNA splicing. Variants that disrupt the donor or acceptor splice site typically lead to a loss of protein function (PMID: 16199547), and loss-of-function variants in ACVRL1 are known to be pathogenic (PMID: 15879500). This variant is not present in population databases (gnomAD no frequency). Disruption of this splice site has been observed in individuals with hereditary hemorrhagic telangiectasia (PMID: 16705692; internal data). Algorithms developed to predict the effect of sequence changes on RNA splicing suggest that this variant may disrupt the consensus splice site. For these reasons, this variant has been classified as Pathogenic.

Literature cited by the submitters: PubMed 16199547; PubMed 15879500; PubMed 16705692.

NM_000020.3(ACVRL1):c.1048+1G>C

Gene: ACVRL1 (activin A receptor like type 1; plus strand). Cytogenetic location: 12q13.13.
Variant type: single nucleotide variant.
Coding change: c.1048+1G>C on transcript NM_000020.3 (MANE Select); the canonical splice donor site of the intron after coding-DNA position 1048, G replaced by C.
Molecular consequence: splice donor variant.
Genome position (GRCh38, 1-based): chr12:51,915,501, G>C. VCF-style: chr12-51915501-G-C. GRCh37 (hg19) VCF-style: chr12-52309285-G-C.
Other names: c.1048+1G>C (NM_001406487.1, NM_001406488.1, NM_001077401.2 and 1 more transcripts); c.736+1G>C (NM_001406491.1, NM_001406490.1, NM_001406492.1 and 2 more transcripts); c.484+1G>C (NM_001406495.1).
Identifiers: ClinVar variation 3712264 (VCV003712264.2).